The following is an entry in ClinVar:

NM_001330260.2(SCN8A):c.5479A>G (p.Ile1827Val)

Gene: SCN8A (sodium voltage-gated channel alpha subunit 8; plus strand). Cytogenetic location: 12q13.13.
Variant type: single nucleotide variant.
Coding change: c.5479A>G on transcript NM_001330260.2 (MANE Select); coding-DNA position 5479, A replaced by G.
Protein change: p.Ile1827Val; replaces isoleucine 1827 with valine.
Molecular consequence: missense variant.
Genome position (GRCh38, 1-based): chr12:51,806,965, A>G. VCF-style: chr12-51806965-A-G. GRCh37 (hg19) VCF-style: chr12-52200749-A-G.
Other names: c.5356A>G, p.Ile1786Val (NM_001177984.3, NM_001369788.1); c.5479A>G, p.Ile1827Val (NM_014191.4); short protein forms I1827V, I1786V.
Identifiers: ClinVar variation 579919 (VCV000579919.15), dbSNP rs764115258, ClinGen allele CA6571922.

ClinVar aggregate classification (germline): Conflicting classifications of pathogenicity. Review status: criteria provided, conflicting classifications (1 of 4 stars). 4 submissions from 4 submitters: Uncertain significance (2); Benign (1); Likely benign (1). Last evaluated 2025-02-26.

Conditions:
Developmental and epileptic encephalopathy, 13 (DEE13). Also called: Early infantile epileptic encephalopathy 13; SCN8A-Related Epilepsy; Developmental and Epileptic Encephalopathy (SCN8A-DEE). Identifiers: Orphanet 442835, MedGen C3281191, MONDO:0013801, OMIM 614558.
Seizures, benign familial infantile, 5 (BFIS5). Also called: CONVULSIONS, BENIGN FAMILIAL INFANTILE, 5. Identifiers: Orphanet 306, MedGen C4310728, MONDO:0014903, OMIM 617080.
Cognitive impairment with or without cerebellar ataxia (CIAT). Identifiers: MedGen C3280415, MONDO:0013680, OMIM 614306.
Early-infantile DEE. Also called: Early infantile epileptic encephalopathy; Early infantile epileptic encephalopathy with suppression bursts; Ohtahara syndrome. Identifiers: Orphanet 1934, MedGen C0393706, MONDO:0800491.
Inborn genetic diseases. Identifiers: MedGen C0950123, MeSH D030342.
Myoclonus, familial, 2. Identifiers: MedGen C5193056, MONDO:0100092, OMIM 618364.

Allele frequency attached by ClinVar (database versions not stated): gnomAD 0.00001; TOPMed 0.00002; gnomAD exomes below 0.00001 and 0.00002; ExAC 0.00002.
gnomAD v4.1: 9 of 1,613,824 alleles (0.00056%); highest among the groups gnomAD compares: East Asian, 0.013%; no homozygotes.

Submissions (4):

Labcorp Genetics (formerly Invitae), Labcorp
Classification: Benign for Early-infantile DEE. Last evaluated: 2025-02-26. Review status: criteria provided, single submitter. Criteria: Invitae Variant Classification Sherloc (09022015). Collection method: clinical testing. Allele origin: germline.

Fulgent Genetics
Classification: Uncertain significance for Cognitive impairment with or without cerebellar ataxia; Developmental and epileptic encephalopathy, 13; Seizures, benign familial infantile, 5. Last evaluated: 2018-10-31. Review status: criteria provided, single submitter. Criteria: ACMG Guidelines, 2015. Collection method: clinical testing. Allele origin: unknown.

Ambry Genetics
Classification: Likely benign for Inborn genetic diseases. Last evaluated: 2017-09-18. Review status: criteria provided, single submitter. Criteria: Ambry Variant Classification Scheme 2023. Collection method: clinical testing. Allele origin: germline.

Juno Genomics, Hangzhou Juno Genomics, Inc
Classification: Uncertain significance for Myoclonus, familial, 2; Cognitive impairment with or without cerebellar ataxia; Developmental and epileptic encephalopathy, 13; Seizures, benign familial infantile, 5. Review status: criteria provided, single submitter. Criteria: ACMG Guidelines, 2015. Collection method: clinical testing. Allele origin: germline. Affected: yes.
Comment: Absent from controls (or at extremely low frequency if recessive) in Genome Aggregation Database, Exome Sequencing Project, 1000 Genomes Project, or Exome Aggregation Consortium.